The following is an entry in ClinVar:

NM_001253852.3(AP4B1):c.1679T>G (p.Phe560Cys)

Genes: AP4B1 (adaptor related protein complex 4 subunit beta 1; minus strand), AP4B1-AS1 (AP4B1 antisense RNA 1; plus strand). Cytogenetic location: 1p13.2.
Variant type: single nucleotide variant.
Coding change: c.1679T>G on transcript NM_001253852.3 (MANE Select); coding-DNA position 1679, T replaced by G.
Protein change: p.Phe560Cys; replaces phenylalanine 560 with cysteine.
Molecular consequence: missense variant.
Genome position (GRCh38, 1-based): chr1:113,895,870, A>C on the plus strand (T>G on the coding strand, the complement: AP4B1 is on the minus strand). VCF-style: chr1-113895870-A-C. GRCh37 (hg19) VCF-style: chr1-114438492-A-C.
Other names: c.1382T>G, p.Phe461Cys (NM_001253853.3); c.1175T>G, p.Phe392Cys (NM_001308312.2); c.1679T>G, p.Phe560Cys (NM_006594.5); short protein forms F392C, F461C, F560C.
Identifiers: ClinVar variation 1449146 (VCV001449146.8), dbSNP rs780654750, ClinGen allele CA1015740.

ClinVar aggregate classification (germline): Uncertain significance (1 of 4 stars; one submission).

Conditions:
Hereditary spastic paraplegia 47. Also called: CEREBRAL PALSY, SPASTIC QUADRIPLEGIC, 5; adaptor protein 4 (AP-4) deficiency syndrome; Spastic paraplegia 47, autosomal recessive. Identifiers: Orphanet 280763, MedGen C3279738, MONDO:0013551, OMIM 614066.

Allele frequency attached by ClinVar (database versions not stated): gnomAD 0.00001; gnomAD exomes 0.00001 and 0.00002; ExAC 0.00002.
gnomAD v4.1: 20 of 1,614,104 alleles (0.0012%); highest among the groups gnomAD compares: South Asian, 0.021%; no homozygotes.

Submission:

Labcorp Genetics (formerly Invitae), Labcorp
Classification: Uncertain significance for Hereditary spastic paraplegia 47. Last evaluated: 2021-07-11. Review status: criteria provided, single submitter. Criteria: Invitae Variant Classification Sherloc (09022015). Collection method: clinical testing. Allele origin: germline.
Comment: This sequence change replaces phenylalanine with cysteine at codon 560 of the AP4B1 protein (p.Phe560Cys). The phenylalanine residue is highly conserved and there is a large physicochemical difference between phenylalanine and cysteine. This variant is present in population databases (rs780654750, ExAC 0.01%). This variant has not been reported in the literature in individuals affected with AP4B1-related conditions. Algorithms developed to predict the effect of missense changes on protein structure and function (SIFT, PolyPhen-2, Align-GVGD) all suggest that this variant is likely to be disruptive. In summary, the available evidence is currently insufficient to determine the role of this variant in disease. Therefore, it has been classified as a Variant of Uncertain Significance.